The following is an entry in ClinVar:

ClinVar aggregate classification (germline): Conflicting classifications of pathogenicity. Review status: criteria provided, conflicting classifications (1 of 4 stars). 4 submissions from 4 submitters: Uncertain significance (3); Benign (1). Last evaluated 2025-10-07.

Conditions:
Frontometaphyseal dysplasia (FMD1). Identifiers: Orphanet 1826, MedGen C0265293, MONDO:0015942.
Oto-palato-digital syndrome, type II (OPD2). Also called: Otopalatodigital Syndrome Type 2 (FLNA-OPD2); FACIOPALATOOSSEOUS SYNDROME; Otopalatodigital Syndrome, Type II; OPD II SYNDROME. Identifiers: Orphanet 669, Orphanet 90652, MedGen C1844696, MONDO:0010571, OMIM 304120.
Heterotopia, periventricular, X-linked dominant (PVNH1). Also called: X-linked periventricular heterotopia; PERIVENTRICULAR NODULAR HETEROTOPIA 1; PERIVENTRICULAR NODULAR HETEROTOPIA 4; HETEROTOPIA, PERIVENTRICULAR, 1. Identifiers: Orphanet 2149, Orphanet 82004, MedGen C1848213, MONDO:0010233, OMIM 300049.
Melnick-Needles syndrome (MNS). Also called: Melnick-Needles Syndrome (FLNA-MNS); MELNICK-NEEDLES OSTEODYSPLASTY; OSTEODYSPLASTY OF MELNICK AND NEEDLES. Identifiers: Orphanet 2484, MedGen C0025237, MONDO:0010650, OMIM 309350.
FLNA-related disorder.
Familial thoracic aortic aneurysm and aortic dissection (TAAD). Also called: Thoracic aortic aneurysms and dissections. Identifiers: Orphanet 91387, MedGen C4707243, MONDO:0019625.

Allele frequency attached by ClinVar (database versions not stated): gnomAD exomes below 0.00001 and 0.00002; ExAC 0.00001; gnomAD 0.00001.

Submissions (4):

PreventionGenetics, part of Exact Sciences
Classification: Uncertain significance for FLNA-related condition. Last evaluated: 2025-10-07. Review status: criteria provided, single submitter. Criteria: ACMG Guidelines, 2015. Collection method: clinical testing. Allele origin: germline.
Comment: The FLNA c.4207A>G variant is predicted to result in the amino acid substitution p.Met1403Val. To our knowledge, this variant has not been reported in the literature. This variant is reported in 0.0071% of alleles in individuals of Latino descent in gnomAD. At this time, the clinical significance of this variant is uncertain due to the absence of conclusive functional and genetic evidence.

Labcorp Genetics (formerly Invitae), Labcorp
Classification: Benign for Oto-palato-digital syndrome, type II; Heterotopia, periventricular, X-linked dominant; Frontometaphyseal dysplasia; Melnick-Needles syndrome. Last evaluated: 2025-06-24. Review status: criteria provided, single submitter. Criteria: Invitae Variant Classification Sherloc (09022015). Collection method: clinical testing. Allele origin: germline.

GeneDx
Classification: Uncertain significance. Last evaluated: 2024-02-14. Review status: criteria provided, single submitter. Criteria: GeneDx Variant Classification Process June 2021. Collection method: clinical testing. Allele origin: germline. Affected: yes.
Comment: Has not been previously published as pathogenic or benign to our knowledge; In silico analysis supports that this missense variant does not alter protein structure/function

Ambry Genetics
Classification: Uncertain significance for Familial thoracic aortic aneurysm and aortic dissection. Last evaluated: 2018-01-09. Review status: criteria provided, single submitter. Criteria: Ambry Variant Classification Scheme 2023. Collection method: clinical testing. Allele origin: germline.
Comment: The p.M1403V variant (also known as c.4207A>G), located in coding exon 24 of the FLNA gene, results from an A to G substitution at nucleotide position 4207. The methionine at codon 1403 is replaced by valine, an amino acid with highly similar properties. This amino acid position is not well conserved in available vertebrate species. In addition, this alteration is predicted to be tolerated by in silico analysis. Since supporting evidence is limited at this time, the clinical significance of this alteration remains unclear.

NM_001110556.2(FLNA):c.4207A>G (p.Met1403Val)

Gene: FLNA (filamin A; minus strand). Cytogenetic location: Xq28.
Variant type: single nucleotide variant.
Coding change: c.4207A>G on transcript NM_001110556.2 (MANE Select); coding-DNA position 4207, A replaced by G.
Protein change: p.Met1403Val; replaces methionine 1403 with valine.
Molecular consequence: missense variant.
Genome position (GRCh38, 1-based): chrX:154,359,342, T>C on the plus strand (A>G on the coding strand, the complement: FLNA is on the minus strand). VCF-style: chrX-154359342-T-C. GRCh37 (hg19) VCF-style: chrX-153587710-T-C.
Other names: c.4207A>G, p.Met1403Val (NM_001456.4); c.4207A>G (NM_001110556.1); short protein forms M1403V.
Identifiers: ClinVar variation 519878 (VCV000519878.16), dbSNP rs781976719, ClinGen allele CA10560573.
Genomic context (GRCh38, chrX:154,359,342, plus strand): 5'-TGTAGGTGCCAGCCTCATAAGGGATGTACTCGACCGAGCAGCTGCCGTCCTTGTTATCCA[T>C]GCAGGACATCTTGGCCTCGGAGGGGCCCTCTACAGCCAGGCCCAGGCCGCCCGTGCCAGC-3'
Protein context (NP_001104026.1, residues 1393-1413): EGPSEAKMSC[Met1403Val]DNKDGSCSVE